The following is an entry in ClinVar:

ClinVar aggregate classification (germline): Conflicting classifications of pathogenicity. Review status: criteria provided, conflicting classifications (1 of 4 stars). 6 submissions from 6 submitters: Uncertain significance (2); Likely benign (3). 1 of the submissions does not count toward it. Last evaluated 2026-01-11.

Conditions:
Usher syndrome type 2A. Also called: RETINAL DISEASE IN USHER SYNDROME TYPE IIA, MODIFIER OF; USHER SYNDROME, TYPE IIA. Identifiers: Orphanet 231178, Orphanet 886, MedGen C1848634, MONDO:0010169, OMIM 276901.
Retinitis pigmentosa 39 (RP39). Identifiers: Orphanet 791, MedGen C3151138, MONDO:0013436, OMIM 613809.
USH2A-related disorder. Also called: USH2A-related condition; USH2A-related disorders. Identifiers: MedGen CN239332.

Allele frequency attached by ClinVar (database versions not stated): gnomAD exomes 0.00013 and 0.00025; TOPMed 0.00020; ESP Exome Variant Server 0.00023; gnomAD 0.00023 and 0.00026; ExAC 0.00027; 1000 Genomes Project 30x 0.00094; 1000 Genomes Project 0.00100.
gnomAD v4.1: 226 of 1,614,096 alleles (0.014%); highest among the groups gnomAD compares: East Asian, 0.12%; 1 homozygote.

Submissions (6):

Labcorp Genetics (formerly Invitae), Labcorp
Classification: Likely benign. Last evaluated: 2026-01-11. Review status: criteria provided, single submitter. Criteria: Invitae Variant Classification Sherloc (09022015). Collection method: clinical testing. Allele origin: germline.

PreventionGenetics, part of Exact Sciences
Classification: Likely benign for USH2A-related condition. Last evaluated: 2025-04-07. Review status: criteria provided, single submitter. Criteria: ACMG Guidelines, 2015. Collection method: clinical testing. Allele origin: germline.
Comment: This variant is classified as likely benign based on ACMG/AMP sequence variant interpretation guidelines (Richards et al. 2015 PMID: 25741868, with internal and published modifications).

Blueprint Genetics
Classification: Likely benign. Last evaluated: 2024-06-17. Review status: criteria provided, single submitter. Criteria: ACMG Guidelines, 2015. Collection method: clinical testing. Allele origin: germline.

Women's Health and Genetics/Laboratory Corporation of America, LabCorp
Classification: Uncertain significance. Last evaluated: 2024-05-16. Review status: criteria provided, single submitter. Criteria: LabCorp Variant Classification Summary - May 2015. Collection method: clinical testing. Allele origin: germline.
Comment: Variant summary: USH2A c.13099G>A (p.Val4367Ile) results in a conservative amino acid change located in the Fibronectin type III domain (IPR003961) of the encoded protein sequence. Five of five in-silico tools predict a benign effect of the variant on protein function. The variant allele was found at a frequency of 0.00014 in 1614296 control chromosomes, predominantly at a frequency of 0.0012 within the East Asian subpopulation in the gnomAD database, including 1 homozygote. This frequency is not significantly higher than estimated for a pathogenic variant in USH2A causing Usher Syndrome (0.0012 vs 0.011), allowing no conclusion about variant significance. c.13099G>A has been reported in the literature in indivduals undergoing WES or multigene panel testing without clear clinical phenotypic information provided (e.g. Florin Lancu_2021, Prasad_2018). These reports do not provide unequivocal conclusions about association of the variant with Usher Syndrome. To our knowledge, no experimental evidence demonstrating an impact on protein function has been reported. The following publications have been ascertained in the context of this evaluation (PMID: 33623043, 29554876, 22216297). ClinVar contains an entry for this variant (Variation ID: 773641). Based on the evidence outlined above, the variant was classified as uncertain significance.

Department of Pathology and Laboratory Medicine, Sinai Health System
Classification: Uncertain significance for Usher syndrome type 2A; Retinitis pigmentosa 39. Last evaluated: 2023-05-31. Review status: criteria provided, single submitter. Criteria: ACMG Guidelines, 2015. Collection method: research. Allele origin: germline.

Natera, Inc.
Classification: Uncertain significance for Usher syndrome type 2A. Last evaluated: 2020-01-06. Review status: no assertion criteria provided. Collection method: clinical testing. Allele origin: germline. Not counted in ClinVar's aggregate classification.

Literature cited by the submitters: PubMed 22216297 (cited by Women's Health and Genetics/Laboratory Corporation of America, LabCorp); PubMed 33623043 (cited by Women's Health and Genetics/Laboratory Corporation of America, LabCorp); PubMed 29554876 (cited by Women's Health and Genetics/Laboratory Corporation of America, LabCorp).

NM_206933.4(USH2A):c.13099G>A (p.Val4367Ile)

Gene: USH2A (usherin; minus strand). Cytogenetic location: 1q41.
Variant type: single nucleotide variant.
Coding change: c.13099G>A on transcript NM_206933.4 (MANE Select); coding-DNA position 13099, G replaced by A.
Protein change: p.Val4367Ile; replaces valine 4367 with isoleucine.
Molecular consequence: missense variant.
Genome position (GRCh38, 1-based): chr1:215,674,812, C>T on the plus strand (G>A on the coding strand, the complement: USH2A is on the minus strand). VCF-style: chr1-215674812-C-T. GRCh37 (hg19) VCF-style: chr1-215848154-C-T.
Other names: short protein forms V4367I.
Identifiers: ClinVar variation 773641 (VCV000773641.16), dbSNP rs146156360, ClinGen allele CA1393353.
Genomic context (GRCh38, chr1:215,674,812, plus strand): 5'-TAATCTTTCCATTTTGCACTGTGGGCGGTGACCAACATACATTCATTTGAGTGGCACTGA[C>T]GGCCCAAAGATCTGGAGGGCTGACTTCTGATGGAGCAGCCTCCAGAGTTGTGATGCTGGT-3'
Protein context (NP_996816.3, residues 4357-4377): SEVSPPDLWA[Val4367Ile]SATQMNVCWS